The following is an entry in ClinVar:

ClinVar aggregate classification (germline): Benign/Likely benign. Review status: criteria provided, multiple submitters, no conflicts (2 of 4 stars). 4 submissions from 4 submitters: Benign (1); Likely benign (2). 1 of the submissions does not count toward it. Last evaluated 2026-01-19.

Conditions:
TECPR2-related disorder. Also called: TECPR2-related condition.
Hereditary spastic paraplegia 49 (HSAN9). Also called: Spastic paraplegia 49, autosomal recessive; TECPR2-Related Hereditary Sensory and Autonomic Neuropathy with Intellectual Disability; NEUROPATHY, HEREDITARY SENSORY AND AUTONOMIC, TYPE IX, WITH DEVELOPMENTAL DELAY. Identifiers: Orphanet 320385, MedGen C5190860, MONDO:0014016, OMIM 615031.

Allele frequency attached by ClinVar (database versions not stated): gnomAD 0.00026 and 0.00029; TOPMed 0.00031; ExAC 0.00061; gnomAD exomes 0.00063; 1000 Genomes Project 0.00120; 1000 Genomes Project 30x 0.00125.
gnomAD v4.1: 241 of 1,614,212 alleles (0.015%); highest among the groups gnomAD compares: East Asian, 0.41%; 2 homozygotes.

Submissions (4):

Labcorp Genetics (formerly Invitae), Labcorp
Classification: Benign for Hereditary spastic paraplegia 49. Last evaluated: 2026-01-19. Review status: criteria provided, single submitter. Criteria: Invitae Variant Classification Sherloc (09022015). Collection method: clinical testing. Allele origin: germline.

PreventionGenetics, part of Exact Sciences
Classification: Likely benign for TECPR2-related condition. Last evaluated: 2025-08-14. Review status: criteria provided, single submitter. Criteria: ACMG Guidelines, 2015. Collection method: clinical testing. Allele origin: germline.
Comment: This variant is classified as likely benign based on ACMG/AMP sequence variant interpretation guidelines (Richards et al. 2015 PMID: 25741868, with internal and published modifications).

Blueprint Genetics
Classification: Likely benign. Last evaluated: 2024-10-14. Review status: criteria provided, single submitter. Criteria: ACMG Guidelines, 2015. Collection method: clinical testing. Allele origin: germline.

Natera, Inc.
Classification: Benign for Autosomal recessive spastic paraplegia type 49. Last evaluated: 2020-09-16. Review status: no assertion criteria provided. Collection method: clinical testing. Allele origin: germline. Not counted in ClinVar's aggregate classification.

NM_014844.5(TECPR2):c.2449G>A (p.Val817Met)

Gene: TECPR2 (tectonin beta-propeller repeat containing 2; plus strand). Cytogenetic location: 14q32.31.
Variant type: single nucleotide variant.
Coding change: c.2449G>A on transcript NM_014844.5 (MANE Select); coding-DNA position 2449, G replaced by A.
Protein change: p.Val817Met; replaces valine 817 with methionine.
Molecular consequence: missense variant.
Genome position (GRCh38, 1-based): chr14:102,438,076, G>A. VCF-style: chr14-102438076-G-A. GRCh37 (hg19) VCF-style: chr14-102904413-G-A.
Other names: c.2449G>A, p.Val817Met (NM_001172631.3); c.2449G>A (NM_014844.4); short protein forms V817M.
Identifiers: ClinVar variation 695587 (VCV000695587.14), dbSNP rs199738023, ClinGen allele CA7357928.